The following is an entry in ClinVar:

ClinVar aggregate classification (germline): Uncertain significance (1 of 4 stars; one submission).

Conditions:
Inborn genetic diseases. Identifiers: MedGen C0950123, MeSH D030342.

gnomAD v4.1: 3 of 1,612,762 alleles (0.00019%); no homozygotes.

Submission:

Ambry Genetics
Classification: Uncertain significance for Inborn genetic diseases. Last evaluated: 2026-06-24. Review status: criteria provided, single submitter. Criteria: Ambry Variant Classification Scheme 2023. Collection method: clinical testing. Allele origin: germline.
Comment: The c.5754G>C (p.L1918F) alteration is located in exon 19 (coding exon 17) of the LYST gene. This alteration results from a G to C substitution at nucleotide position 5754, causing the leucine (L) at amino acid position 1918 to be replaced by a phenylalanine (F). Based on data from gnomAD, the C allele has an overall frequency of <0.001% (1/250954) total alleles studied. The highest observed frequency was <0.001% (/) of alleles. Based on insufficient or conflicting evidence, the clinical significance of this alteration remains unclear.

NM_000081.4(LYST):c.5754G>C (p.Leu1918Phe)

Gene: LYST (lysosomal trafficking regulator; minus strand). Cytogenetic location: 1q42.3.
Variant type: single nucleotide variant.
Coding change: c.5754G>C on transcript NM_000081.4 (MANE Select); coding-DNA position 5754, G replaced by C.
Protein change: p.Leu1918Phe; replaces leucine 1918 with phenylalanine.
Molecular consequence: missense variant.
Genome position (GRCh38, 1-based): chr1:235,773,872, C>G on the plus strand (G>C on the coding strand, the complement: LYST is on the minus strand). VCF-style: chr1-235773872-C-G. GRCh37 (hg19) VCF-style: chr1-235937172-C-G.
Other names: c.5754G>C, p.Leu1918Phe (NM_001301365.1); short protein forms L1918F.
Identifiers: ClinVar variation 5023720 (VCV005023720.1).